The following is an entry in ClinVar:

ClinVar aggregate classification (germline): Pathogenic/Likely pathogenic. Review status: criteria provided, multiple submitters, no conflicts (2 of 4 stars). 4 submissions from 4 submitters: Pathogenic (1); Likely pathogenic (3). Last evaluated 2026-01-11.

Allele frequency attached by ClinVar (database versions not stated): ExAC 0.00002.
gnomAD v4.1: 10 of 1,614,054 alleles (0.00062%); highest among the groups gnomAD compares: Admixed American, 0.0033%; no homozygotes.

Submissions (4):

Labcorp Genetics (formerly Invitae), Labcorp
Classification: Pathogenic. Last evaluated: 2026-01-11. Review status: criteria provided, single submitter. Criteria: Invitae Variant Classification Sherloc (09022015). Collection method: clinical testing. Allele origin: germline.
Comment: This sequence change creates a premature translational stop signal (p.Arg887*) in the SPTA1 gene. It is expected to result in an absent or disrupted protein product. Loss-of-function variants in SPTA1 are known to be pathogenic (PMID: 9192783, 18815189, 31333484, 31723846, 32266426). This variant is present in population databases (rs757845058, gnomAD 0.003%). This variant has not been reported in the literature in individuals affected with SPTA1-related conditions. ClinVar contains an entry for this variant (Variation ID: 2066373). For these reasons, this variant has been classified as Pathogenic.

Center for Genomic Medicine, Rigshospitalet, Copenhagen University Hospital
Classification: Likely pathogenic. Last evaluated: 2025-03-04. Review status: criteria provided, single submitter. Criteria: ACMG Guidelines, 2015. Collection method: clinical testing. Allele origin: germline.

ARUP Laboratories, Molecular Genetics and Genomics, ARUP Laboratories
Classification: Likely pathogenic. Last evaluated: 2024-09-17. Review status: criteria provided, single submitter. Criteria: ARUP Molecular Germline Variant Investigation Process 2024. Collection method: clinical testing. Allele origin: germline.
Comment: The SPTA1 c.2659C>T; p.Arg887Ter variant (rs757845058), to our knowledge, is not reported in the medical literature but is reported in ClinVar (Variation ID: 2066373). This variant is only observed on two alleles in the Genome Aggregation Database (v2.1.1), indicating it is not a common polymorphism. This variant induces an early termination codon and is predicted to result in a truncated protein or mRNA subject to nonsense-mediated decay. Based on available information, this variant is considered to be likely pathogenic.

Revvity Omics, Revvity
Classification: Likely pathogenic. Last evaluated: 2024-07-11. Review status: criteria provided, single submitter. Criteria: ACMG Guidelines, 2015. Collection method: clinical testing. Allele origin: germline.

Literature cited by the submitters: PubMed 9192783 (cited by Labcorp Genetics (formerly Invitae), Labcorp); PubMed 18815189 (cited by Labcorp Genetics (formerly Invitae), Labcorp); PubMed 31333484 (cited by Labcorp Genetics (formerly Invitae), Labcorp); PubMed 31723846 (cited by Labcorp Genetics (formerly Invitae), Labcorp); PubMed 32266426 (cited by Labcorp Genetics (formerly Invitae), Labcorp).

NM_003126.4(SPTA1):c.2659C>T (p.Arg887Ter)

Gene: SPTA1 (spectrin alpha, erythrocytic 1; minus strand). Cytogenetic location: 1q23.1.
Variant type: single nucleotide variant.
Coding change: c.2659C>T on transcript NM_003126.4 (MANE Select); coding-DNA position 2659, C replaced by T.
Protein change: p.Arg887Ter; replaces arginine 887 with a stop codon.
Molecular consequence: nonsense.
Genome position (GRCh38, 1-based): chr1:158,657,623, G>A on the plus strand (C>T on the coding strand, the complement: SPTA1 is on the minus strand). VCF-style: chr1-158657623-G-A. GRCh37 (hg19) VCF-style: chr1-158627413-G-A.
Other names: short protein forms R887*.
Identifiers: ClinVar variation 2066373 (VCV002066373.6), dbSNP rs757845058, ClinGen allele CA1183318.
Genomic context (GRCh38, chr1:158,657,623, plus strand): 5'-CAGCCAGGTACTGCTGGAACTGGACATTGGCTTCAAGATCATTTTGTCGCCTAGCAGCTC[G>A]AGCACGGAGAGACTCCATATTCTGGTTCAAACTCTTGACCCTAGAGGCCACATCTTCTGC-3'